The following is an entry in ClinVar:

ClinVar aggregate classification (germline): Uncertain significance. Review status: criteria provided, multiple submitters, no conflicts (2 of 4 stars). 2 submissions from 2 submitters: Uncertain significance (2). Last evaluated 2025-10-23.

Conditions:
Hereditary cancer-predisposing syndrome. Also called: Neoplastic Syndromes, Hereditary; Tumor predisposition; Hereditary Cancer Syndrome; Hereditary neoplastic syndrome. Identifiers: Orphanet 140162, MedGen C0027672, MeSH D009386, MONDO:0015356.

Allele frequency attached by ClinVar (database versions not stated): gnomAD exomes below 0.00001; TOPMed 0.00001.
gnomAD v4.1: 1 of 1,597,042 alleles (0.000063%); highest among the groups gnomAD compares: Admixed American, 0.0017%; no homozygotes.

Submissions (2):

Labcorp Genetics (formerly Invitae), Labcorp
Classification: Uncertain significance. Last evaluated: 2025-10-23. Review status: criteria provided, single submitter. Criteria: Invitae Variant Classification Sherloc (09022015). Collection method: clinical testing. Allele origin: germline.
Comment: This sequence change replaces alanine, which is neutral and non-polar, with threonine, which is neutral and polar, at codon 716 of the POLE protein (p.Ala716Thr). This variant is present in population databases (no rsID available, gnomAD 0.003%). This variant has not been reported in the literature in individuals affected with POLE-related conditions. ClinVar contains an entry for this variant (Variation ID: 473515). Invitae Evidence Modeling of protein sequence and biophysical properties (such as structural, functional, and spatial information, amino acid conservation, physicochemical variation, residue mobility, and thermodynamic stability) indicates that this missense variant is not expected to disrupt POLE protein function with a negative predictive value of 80%. In summary, the available evidence is currently insufficient to determine the role of this variant in disease. Therefore, it has been classified as a Variant of Uncertain Significance.

Ambry Genetics
Classification: Uncertain significance for Hereditary cancer-predisposing syndrome. Last evaluated: 2025-04-06. Review status: criteria provided, single submitter. Criteria: Ambry Variant Classification Scheme 2023. Collection method: clinical testing. Allele origin: germline.
Comment: The p.A716T variant (also known as c.2146G>A), located in coding exon 19 of the POLE gene, results from a G to A substitution at nucleotide position 2146. The alanine at codon 716 is replaced by threonine, an amino acid with similar properties. This amino acid position is conserved. In addition, this alteration is predicted to be tolerated by in silico analysis. Based on the available evidence, the clinical significance of this variant remains unclear.

NM_006231.4(POLE):c.2146G>A (p.Ala716Thr)

Gene: POLE (DNA polymerase epsilon, catalytic subunit; minus strand). Cytogenetic location: 12q24.33.
Variant type: single nucleotide variant.
Coding change: c.2146G>A on transcript NM_006231.4 (MANE Select); coding-DNA position 2146, G replaced by A.
Protein change: p.Ala716Thr; replaces alanine 716 with threonine.
Molecular consequence: missense variant.
Genome position (GRCh38, 1-based): chr12:132,668,383, C>T on the plus strand (G>A on the coding strand, the complement: POLE is on the minus strand). VCF-style: chr12-132668383-C-T. GRCh37 (hg19) VCF-style: chr12-133244969-C-T.
Other names: c.2146G>A (NM_006231.2); short protein forms A716T.
Identifiers: ClinVar variation 473515 (VCV000473515.12), dbSNP rs1379490235, ClinGen allele CA387353655.
Genomic context (GRCh38, chr12:132,668,383, plus strand): 5'-TCTTTACAGCCGTGACCATGCCCAGGCACTCACCCGCCAGCCTTCTCTTCTCGTATTTCG[C>T]CTGTTCCTCGCGGGACAGTTCATGAAAGGCCCGAGCTGGCCCCTCTGGGAACAAGGGGGG-3'
Protein context (NP_006222.2, residues 706-726): AFHELSREEQ[Ala716Thr]KYEKRRLADY